The following is an entry in ClinVar:

NM_001377.3(DYNC2H1):c.12542del (p.Asn4181fs)

Gene: DYNC2H1 (dynein cytoplasmic 2 heavy chain 1; plus strand). Cytogenetic location: 11q22.3.
Variant type: Deletion.
Coding change: c.12542del on transcript NM_001377.3 (MANE Select); coding-DNA position 12542, one base deleted (A; older notation c.12542delA).
Protein change: p.Asn4181fs; shifts the reading frame from asparagine 4181.
Molecular consequence: frameshift variant.
Genome position (GRCh38, 1-based): chr11:103,455,271, A deleted; the last of 2 consecutive A bases (chr11:103,455,270-103,455,271); deleting either gives the same sequence. VCF-style (leftmost placement, unchanged base first): chr11-103455269-TA-T. GRCh37 (hg19) VCF-style: chr11-103325997-TA-T.
Other names: NM_001080463.2:c.12563del; c.12563del, p.Asn4188fs (NM_001080463.2); short protein forms N4181fs, N4188fs.
Identifiers: ClinVar variation 2412715 (VCV002412715.1), dbSNP rs2497539228, ClinGen allele CA2573332445.
Genomic context (GRCh38, chr11:103,455,269, plus strand): 5'-ACAGGCTCTTCTCTCTGAAACACTTGACCTATCAGAACTTTTCCATCCAGACACATTTCT[TA>T]ATGCTCTTCGCCAGGAAACTGCAAGGTAATTAAAATGAAATACTTTACCTATTTGTCCCT-3'

ClinVar aggregate classification (germline): Likely pathogenic (1 of 4 stars; one submission).

Conditions:
Jeune thoracic dystrophy. Also called: Jeune syndrome; Infantile thoracic dystrophy; Thoracic pelvic phalangeal dystrophy; Jeune's syndrome; Chondroectodermal dysplasia-like syndrome; Short-rib thoracic dysplasia. Identifiers: Orphanet 474, MedGen C0265275, MONDO:0018770.

Submission:

Broad Center for Mendelian Genomics, Broad Institute of MIT and Harvard
Classification: Likely pathogenic for Jeune thoracic dystrophy. Last evaluated: 2023-01-25. Review status: criteria provided, single submitter. Criteria: ACMG Guidelines, 2015. Collection method: curation. Allele origin: germline. Inheritance: Autosomal recessive inheritance.
Comment: Trio exome analysis revealed that this variant was in trans with a variant of uncertain significance (ClinVar Variation ID: 238270). The p.Phe4181SerfsTer28 variant in DYNC2H1 has not been previously reported in individuals with short-rib thoracic dysplasia 3 with or without polydactyly. This variant was absent from large population studies. This variant is predicted to cause a frameshift, which alters the protein‚Äôs amino acid sequence beginning at position 1481 and leads to a premature termination codon 28 amino acids downstream. This alteration is then predicted to lead to a truncated or absent protein. Loss of function of the DYNC2H1 gene is an established disease mechanism in autosomal recessive short-rib thoracic dysplasia 3 with or without polydactyly. In summary, although additional studies are required to fully establish its clinical significance, this variant is likely pathogenic for autosomal recessive short-rib thoracic dysplasia 3 with or without polydactyly. ACMG/AMP Criteria applied: PVS1, PM2_Supporting (Richards 2015).